The following is an entry in ClinVar:

ClinVar aggregate classification (germline): Uncertain significance (1 of 4 stars; one submission).

Submission:

Labcorp Genetics (formerly Invitae), Labcorp
Classification: Uncertain significance. Last evaluated: 2025-09-07. Review status: criteria provided, single submitter. Criteria: Invitae Variant Classification Sherloc (09022015). Collection method: clinical testing. Allele origin: germline.
Comment: This sequence change replaces aspartic acid, which is acidic and polar, with asparagine, which is neutral and polar, at codon 267 of the KMT2E protein (p.Asp267Asn). This variant is not present in population databases (gnomAD no frequency). This variant has not been reported in the literature in individuals affected with KMT2E-related conditions. Invitae Evidence Modeling of protein sequence and biophysical properties (such as structural, functional, and spatial information, amino acid conservation, physicochemical variation, residue mobility, and thermodynamic stability) indicates that this missense variant is not expected to disrupt KMT2E protein function with a negative predictive value of 80%. In summary, the available evidence is currently insufficient to determine the role of this variant in disease. Therefore, it has been classified as a Variant of Uncertain Significance.

NM_182931.3(KMT2E):c.799G>A (p.Asp267Asn)

Gene: KMT2E (lysine methyltransferase 2E (inactive); plus strand). Cytogenetic location: 7q22.3.
Variant type: single nucleotide variant.
Coding change: c.799G>A on transcript NM_182931.3 (MANE Select); coding-DNA position 799, G replaced by A.
Protein change: p.Asp267Asn; replaces aspartic acid 267 with asparagine.
Molecular consequence: missense variant.
Genome position (GRCh38, 1-based): chr7:105,076,993, G>A. VCF-style: chr7-105076993-G-A. GRCh37 (hg19) VCF-style: chr7-104717440-G-A.
Other names: c.799G>A, p.Asp267Asn (NM_001410908.1, NM_018682.4); short protein forms D267N.
Identifiers: ClinVar variation 4746022 (VCV004746022.1).